The following is an entry in ClinVar:

NM_001378778.1(MPDZ):c.1256A>T (p.Asp419Val)

Gene: MPDZ (multiple PDZ domain crumbs cell polarity complex component; minus strand). Cytogenetic location: 9p23.
Variant type: single nucleotide variant.
Coding change: c.1256A>T on transcript NM_001378778.1 (MANE Select); coding-DNA position 1256, A replaced by T.
Protein change: p.Asp419Val; replaces aspartic acid 419 with valine.
Molecular consequence: missense variant.
Genome position (GRCh38, 1-based): chr9:13,216,808, T>A on the plus strand (A>T on the coding strand, the complement: MPDZ is on the minus strand). VCF-style: chr9-13216808-T-A. GRCh37 (hg19) VCF-style: chr9-13216807-T-A.
Other names: c.1256A>T, p.Asp419Val (NM_001261406.2, NM_001261407.2, NM_001330637.2 and 14 more transcripts); short protein forms D419V.
Identifiers: ClinVar variation 1370586 (VCV001370586.6), dbSNP rs765733279, ClinGen allele CA4987847.
Genomic context (GRCh38, chr9:13,216,808, plus strand): 5'-AAGCTATTGTTAAATGTGTAACTTACTGCTATAATTTGGTCTCCAATTTGGATTCTTCCA[T>A]CATGCTCAACGGCACTGCTTTTTGTAATGCTCTTTACAAAGATTCCTGAAGGTTCTAAGA-3'
Protein context (NP_001365707.1, residues 409-429): SITKSSAVEH[Asp419Val]GRIQIGDQII

ClinVar aggregate classification (germline): Uncertain significance (1 of 4 stars; one submission).

Allele frequency attached by ClinVar (database versions not stated): ExAC 0.00001; gnomAD exomes 0.00001 and 0.00002; TOPMed 0.00002; gnomAD 0.00003 and 0.00004.
gnomAD v4.1: 11 of 1,610,202 alleles (0.00068%); highest among the groups gnomAD compares: Admixed American, 0.015%; no homozygotes.

Submission:

Labcorp Genetics (formerly Invitae), Labcorp
Classification: Uncertain significance. Last evaluated: 2023-11-06. Review status: criteria provided, single submitter. Criteria: Invitae Variant Classification Sherloc (09022015). Collection method: clinical testing. Allele origin: germline.
Comment: This sequence change replaces aspartic acid, which is acidic and polar, with valine, which is neutral and non-polar, at codon 419 of the MPDZ protein (p.Asp419Val). This variant is present in population databases (rs765733279, gnomAD 0.006%). This variant has not been reported in the literature in individuals affected with MPDZ-related conditions. ClinVar contains an entry for this variant (Variation ID: 1370586). An algorithm developed to predict the effect of missense changes on protein structure and function (PolyPhen-2) suggests that this variant is likely to be disruptive. In summary, the available evidence is currently insufficient to determine the role of this variant in disease. Therefore, it has been classified as a Variant of Uncertain Significance.